The following is an entry in ClinVar:

ClinVar aggregate classification (germline): Uncertain significance (1 of 4 stars; one submission).

Conditions:
Hereditary cancer-predisposing syndrome. Also called: Tumor predisposition; Hereditary Cancer Syndrome; Hereditary neoplastic syndrome; Neoplastic Syndromes, Hereditary. Identifiers: Orphanet 140162, MedGen C0027672, MeSH D009386, MONDO:0015356.

Submission:

Ambry Genetics
Classification: Uncertain significance for Hereditary cancer-predisposing syndrome. Last evaluated: 2023-07-13. Review status: criteria provided, single submitter. Criteria: Ambry Variant Classification Scheme 2023. Collection method: clinical testing. Allele origin: germline.
Comment: The p.G90D variant (also known as c.269G>A), located in coding exon 2 of the PHOX2B gene, results from a G to A substitution at nucleotide position 269. The glycine at codon 90 is replaced by aspartic acid, an amino acid with similar properties. This amino acid position is conserved. In addition, the in silico prediction for this alteration is inconclusive. Since supporting evidence is limited at this time, the clinical significance of this alteration remains unclear.

NM_003924.4(PHOX2B):c.269G>A (p.Gly90Asp)

Gene: PHOX2B (paired like homeobox 2B; minus strand). Cytogenetic location: 4p13.
Variant type: single nucleotide variant.
Coding change: c.269G>A on transcript NM_003924.4 (MANE Select); coding-DNA position 269, G replaced by A.
Protein change: p.Gly90Asp; replaces glycine 90 with aspartic acid.
Molecular consequence: missense variant.
Genome position (GRCh38, 1-based): chr4:41,747,509, C>T on the plus strand (G>A on the coding strand, the complement: PHOX2B is on the minus strand). VCF-style: chr4-41747509-C-T. GRCh37 (hg19) VCF-style: chr4-41749526-C-T.
Other names: short protein forms G90D.
Identifiers: ClinVar variation 2625345 (VCV002625345.2), dbSNP rs2552097039, ClinGen allele CA356740517.
Genomic context (GRCh38, chr4:41,747,509, plus strand): 5'-AGCTGGGCACTGGTGAAAGTGGTGCGGATGCGCCGCTGCTTGCGCTTCTCGTTGAGGCCG[C>T]CGTGGTCCGTGAAGAGTTTGTAAGGAACTAGAGTATGACAGAGGAGACAGAAAGTGAGCA-3'
Protein context (NP_003915.2, residues 80-100): AVPYKLFTDH[Gly90Asp]GLNEKRKQRR